The following is an entry in ClinVar:

NM_001377540.1(SLMAP):c.1445C>T (p.Ala482Val)

Gene: SLMAP (sarcolemma associated protein; plus strand). Cytogenetic location: 3p14.3.
Variant type: single nucleotide variant.
Coding change: c.1445C>T on transcript NM_001377540.1 (MANE Select); coding-DNA position 1445, C replaced by T.
Protein change: p.Ala482Val; replaces alanine 482 with valine.
Molecular consequence: missense variant. On other transcripts: 5 prime UTR variant (7), non-coding transcript variant (1).
Genome position (GRCh38, 1-based): chr3:57,896,876, C>T. VCF-style: chr3-57896876-C-T. GRCh37 (hg19) VCF-style: chr3-57882603-C-T.
Other names: c.1394C>T, p.Ala465Val (NM_001304420.3, NM_001377541.1, NM_001377542.1 and 2 more transcripts); c.1280C>T, p.Ala427Val (NM_001304421.2, NM_001377557.1, NM_001377559.1 and 1 more transcripts); c.-5C>T (NM_001304422.3, NM_001304423.3, NM_001311178.2 and 4 more transcripts); c.1445C>T, p.Ala482Val (NM_001377538.1, NM_001377539.1, NM_001377555.1); c.1382C>T, p.Ala461Val (NM_001377545.1, NM_001377922.1); c.1343C>T, p.Ala448Val (NM_001377549.1, NM_001377923.1, NM_007159.5); c.1331C>T, p.Ala444Val (NM_001377551.1, NM_001377552.1, NM_001377924.1); short protein forms A461V, A448V, A482V, A427V, A465V, A444V.
Identifiers: ClinVar variation 3445730 (VCV003445730.1).

ClinVar aggregate classification (germline): Uncertain significance (1 of 4 stars; one submission).

Submission:

Ambry Genetics
Classification: Uncertain significance. Last evaluated: 2024-11-27. Review status: criteria provided, single submitter. Criteria: Ambry Variant Classification Scheme 2023. Collection method: clinical testing. Allele origin: germline.
Comment: The p.A448V variant (also known as c.1343C>T), located in coding exon 14 of the SLMAP gene, results from a C to T substitution at nucleotide position 1343. The alanine at codon 448 is replaced by valine, an amino acid with similar properties. This amino acid position is conserved. In addition, this alteration is predicted to be tolerated by in silico analysis. Based on the available evidence, the clinical significance of this variant remains unclear.